The following is an entry in ClinVar:

ClinVar aggregate classification (germline): Uncertain significance (1 of 4 stars; one submission).

Allele frequency attached by ClinVar (database versions not stated): gnomAD exomes below 0.00001.
gnomAD v4.1: 1 of 1,614,072 alleles (0.000062%); highest among the groups gnomAD compares: Non-Finnish European, 0.000085%; no homozygotes.

Submission:

GeneDx
Classification: Uncertain significance. Last evaluated: 2022-08-21. Review status: criteria provided, single submitter. Criteria: GeneDx Variant Classification Process June 2021. Collection method: clinical testing. Allele origin: germline. Affected: yes.
Comment: Not observed at significant frequency in large population cohorts (gnomAD); In silico analysis supports that this missense variant does not alter protein structure/function; Has not been previously published as pathogenic or benign to our knowledge.

NM_000352.6(ABCC8):c.2095A>G (p.Ile699Val)

Gene: ABCC8 (ATP binding cassette subfamily C member 8; minus strand). Cytogenetic location: 11p15.1.
Variant type: single nucleotide variant.
Coding change: c.2095A>G on transcript NM_000352.6 (MANE Select); coding-DNA position 2095, A replaced by G.
Protein change: p.Ile699Val; replaces isoleucine 699 with valine.
Molecular consequence: missense variant. On other transcripts: non-coding transcript variant (1).
Genome position (GRCh38, 1-based): chr11:17,427,888, T>C on the plus strand (A>G on the coding strand, the complement: ABCC8 is on the minus strand). VCF-style: chr11-17427888-T-C. GRCh37 (hg19) VCF-style: chr11-17449435-T-C.
Other names: c.2095A>G, p.Ile699Val (NM_001287174.3); c.2161A>G, p.Ile721Val (NM_001351295.2); c.2092A>G, p.Ile698Val (NM_001351296.2, NM_001351297.2); short protein forms I698V, I699V, I721V.
Identifiers: ClinVar variation 2430903 (VCV002430903.1), dbSNP rs2496663204, ClinGen allele CA379814776.
Genomic context (GRCh38, chr11:17,427,888, plus strand): 5'-ATGGGGAGGGGCATGCTGGAGGGGTGGACTGGGCCATACCTCGGGGGATACGAATGGTGA[T>C]GTTGGACAGTGTGGGGATTCCATCTGGGGTCCACGTGAAGTAGCCTCCCATGATCTTCAT-3'
Protein context (NP_000343.2, residues 689-709): TPDGIPTLSN[Ile699Val]TIRIPRGQLT